The following is an entry in ClinVar:

ClinVar aggregate classification (germline): Uncertain significance (1 of 4 stars; one submission).

Conditions:
SORCS3-related disorder. Also called: SORCS3-related condition.

Submission:

PreventionGenetics, part of Exact Sciences
Classification: Uncertain significance for SORCS3-related condition. Last evaluated: 2023-09-26. Review status: criteria provided, single submitter. Criteria: ACMG Guidelines, 2015. Collection method: clinical testing. Allele origin: germline.
Comment: The SORCS3 c.2545G>A variant is predicted to result in the amino acid substitution p.Glu849Lys. To our knowledge, this variant has not been reported in the literature or in a large population database, indicating this variant is rare. At this time, the clinical significance of this variant is uncertain due to the absence of conclusive functional and genetic evidence.

NM_014978.3(SORCS3):c.2545G>A (p.Glu849Lys)

Gene: SORCS3 (sortilin related VPS10 domain containing receptor 3; plus strand). Cytogenetic location: 10q25.1.
Variant type: single nucleotide variant.
Coding change: c.2545G>A on transcript NM_014978.3 (MANE Select); coding-DNA position 2545, G replaced by A.
Protein change: p.Glu849Lys; replaces glutamic acid 849 with lysine.
Molecular consequence: missense variant.
Genome position (GRCh38, 1-based): chr10:105,214,611, G>A. VCF-style: chr10-105214611-G-A. GRCh37 (hg19) VCF-style: chr10-106974369-G-A.
Other names: short protein forms E849K.
Identifiers: ClinVar variation 2630770 (VCV002630770.1), dbSNP rs2492802345, ClinGen allele CA378135516.